The following is an entry in ClinVar:

ClinVar aggregate classification (germline): Uncertain significance. Review status: criteria provided, multiple submitters, no conflicts (2 of 4 stars). 2 submissions from 2 submitters: Uncertain significance (2). Last evaluated 2026-06-01.

Allele frequency attached by ClinVar (database versions not stated): ExAC 0.00025; gnomAD 0.00029; TOPMed 0.00030.
gnomAD v4.1: 563 of 1,550,066 alleles (0.036%); highest among the groups gnomAD compares: Non-Finnish European, 0.044%; no homozygotes.

Submissions (2):

CeGaT Center for Human Genetics Tuebingen
Classification: Uncertain significance. Last evaluated: 2026-06-01. Review status: criteria provided, single submitter. Criteria: CeGaT Center For Human Genetics Tuebingen Variant Classification Criteria Version 2. Collection method: clinical testing. Allele origin: germline. Affected: yes. Observed: 1 variant allele.
Comment: PTPRQ: PM2, BP4

GeneDx
Classification: Uncertain significance. Last evaluated: 2025-09-24. Review status: criteria provided, single submitter. Criteria: GeneDx Variant Classification Process June 2021. Collection method: clinical testing. Allele origin: germline. Affected: yes.
Comment: Identified in a patient with hearing loss and a severe retinal phenotype and determined to be an unlikely cause of the hearing loss in published literature (PMID: 35951321); In silico analysis suggests that this missense variant does not alter protein structure/function; This variant is associated with the following publications: (PMID: 35951321)

NM_001145026.2(PTPRQ):c.5792G>A (p.Arg1931Gln)

Gene: PTPRQ (protein tyrosine phosphatase receptor type Q; plus strand). Cytogenetic location: 12q21.31.
Variant type: single nucleotide variant.
Coding change: c.5792G>A on transcript NM_001145026.2 (MANE Select); coding-DNA position 5792, G replaced by A.
Protein change: p.Arg1931Gln; replaces arginine 1931 with glutamine.
Molecular consequence: missense variant.
Genome position (GRCh38, 1-based): chr12:80,634,950, G>A. VCF-style: chr12-80634950-G-A. GRCh37 (hg19) VCF-style: chr12-81028729-G-A.
Other names: short protein forms R1931Q.
Identifiers: ClinVar variation 1300490 (VCV001300490.5), dbSNP rs562981127, ClinGen allele CA6702874.